The following is an entry in ClinVar:

ClinVar aggregate classification (germline): Uncertain significance (1 of 4 stars; one submission).

Conditions:
Autosomal recessive severe congenital neutropenia due to CSF3R deficiency. Also called: Neutropenia, severe congenital, 7, autosomal recessive. Identifiers: Orphanet 420702, MedGen C4310764, MONDO:0014865, OMIM 617014.

gnomAD v4.1: 1 of 1,606,918 alleles (0.000062%); highest among the groups gnomAD compares: South Asian, 0.0011%; no homozygotes.

Submission:

Labcorp Genetics (formerly Invitae), Labcorp
Classification: Uncertain significance for Autosomal recessive severe congenital neutropenia due to CSF3R deficiency. Last evaluated: 2019-12-31. Review status: criteria provided, single submitter. Criteria: Invitae Variant Classification Sherloc (09022015). Collection method: clinical testing. Allele origin: germline.
Comment: Algorithms developed to predict the effect of missense changes on protein structure and function output the following: SIFT: "Tolerated"; PolyPhen-2: "Benign"; Align-GVGD: "Class C0". The asparagine amino acid residue is found in multiple mammalian species, suggesting that this missense change does not adversely affect protein function. These predictions have not been confirmed by published functional studies and their clinical significance is uncertain. In summary, the available evidence is currently insufficient to determine the role of this variant in disease. Therefore, it has been classified as a Variant of Uncertain Significance. This variant has not been reported in the literature in individuals with CSF3R-related conditions. This variant is not present in population databases (ExAC no frequency). This sequence change replaces lysine with asparagine at codon 536 of the CSF3R protein (p.Lys536Asn). The lysine residue is moderately conserved and there is a moderate physicochemical difference between lysine and asparagine.

NM_000760.4(CSF3R):c.1608G>C (p.Lys536Asn)

Gene: CSF3R (colony stimulating factor 3 receptor; minus strand). Cytogenetic location: 1p34.3.
Variant type: single nucleotide variant.
Coding change: c.1608G>C on transcript NM_000760.4 (MANE Select); coding-DNA position 1608, G replaced by C.
Protein change: p.Lys536Asn; replaces lysine 536 with asparagine.
Molecular consequence: missense variant.
Genome position (GRCh38, 1-based): chr1:36,468,190, C>G on the plus strand (G>C on the coding strand, the complement: CSF3R is on the minus strand). VCF-style: chr1-36468190-C-G. GRCh37 (hg19) VCF-style: chr1-36933791-C-G.
Other names: c.1608G>C, p.Lys536Asn (NM_156039.3, NM_172313.3); short protein forms K536N.
Identifiers: ClinVar variation 860222 (VCV000860222.10), dbSNP rs1196522809, ClinGen allele CA339418361.